The following is an entry in ClinVar:

ClinVar aggregate classification (germline): Uncertain significance (1 of 4 stars; one submission).

gnomAD v4.1: 1 of 1,528,294 alleles (0.000065%); highest among the groups gnomAD compares: Non-Finnish European, 0.000087%; no homozygotes.

Submission:

Labcorp Genetics (formerly Invitae), Labcorp
Classification: Uncertain significance. Last evaluated: 2022-05-20. Review status: criteria provided, single submitter. Criteria: Invitae Variant Classification Sherloc (09022015). Collection method: clinical testing. Allele origin: germline.
Comment: In summary, the available evidence is currently insufficient to determine the role of this variant in disease. Therefore, it has been classified as a Variant of Uncertain Significance. Algorithms developed to predict the effect of missense changes on protein structure and function are either unavailable or do not agree on the potential impact of this missense change (SIFT: "Deleterious"; PolyPhen-2: "Benign"; Align-GVGD: "Class C0"). This sequence change replaces leucine, which is neutral and non-polar, with phenylalanine, which is neutral and non-polar, at codon 15 of the CD55 protein (p.Leu15Phe). This variant is not present in population databases (gnomAD no frequency). This variant has not been reported in the literature in individuals affected with CD55-related conditions.

NM_000574.5(CD55):c.43C>T (p.Leu15Phe)

Gene: CD55 (CD55 molecule (Cromer blood group); plus strand). Cytogenetic location: 1q32.2.
Variant type: single nucleotide variant.
Coding change: c.43C>T on transcript NM_000574.5 (MANE Select); coding-DNA position 43, C replaced by T.
Protein change: p.Leu15Phe; replaces leucine 15 with phenylalanine.
Molecular consequence: missense variant. On other transcripts: non-coding transcript variant (1).
Genome position (GRCh38, 1-based): chr1:207,321,808, C>T. VCF-style: chr1-207321808-C-T. GRCh37 (hg19) VCF-style: chr1-207495153-C-T.
Other names: c.43C>T, p.Leu15Phe (NM_001114752.3, NM_001300902.2, NM_001300903.2 and 1 more transcripts); short protein forms L15F.
Identifiers: ClinVar variation 1996842 (VCV001996842.4), dbSNP rs1654415350, ClinGen allele CA344514646.